The following is an entry in ClinVar:

NM_004655.4(AXIN2):c.957-11_957-10del

Gene: AXIN2 (axin 2; minus strand). Cytogenetic location: 17q24.1.
Variant type: Deletion.
Coding change: c.957-11_957-10del on transcript NM_004655.4 (MANE Select); 11 bases into the intron before coding-DNA position 957 through 10 bases into the intron before coding-DNA position 957, 2 bases deleted (CT; older notation c.957-11_957-10delCT).
Molecular consequence: intron variant.
Genome position (GRCh38, 1-based): chr17:65,541,567-65,541,568, AG deleted on the plus strand (CT on the coding strand, the reverse complement: AXIN2 is on the minus strand). VCF-style (leftmost placement, unchanged base first): chr17-65541566-AAG-A. GRCh37 (hg19) VCF-style: chr17-63537684-AAG-A.
Other names: c.957-11_957-10del (NM_001363813.1).
Identifiers: ClinVar variation 1571270 (VCV001571270.9), dbSNP rs1475597198, ClinGen allele CA774136652.
Genomic context (GRCh38, chr17:65,541,566, plus strand): 5'-TTCTCTCTGGAGCTGTTTCTTACTGCCCACACGATAAGGAGGAATTCCATCTCTAAGGGA[AAG>A]GAAAAGACAGAATCCACAGGCTTACGAGGATGTTTTCAGCACATCACATGGGCTACTGTC-3'

ClinVar aggregate classification (germline): Likely benign. Review status: criteria provided, multiple submitters, no conflicts (2 of 4 stars). 2 submissions from 2 submitters: Likely benign (2). Last evaluated 2024-06-28.

Conditions:
Oligodontia-cancer predisposition syndrome. Also called: TOOTH AGENESIS-COLORECTAL CANCER SYNDROME. Identifiers: Orphanet 300576, MedGen C1837750, MONDO:0012075, OMIM 608615. Disease mechanism: loss of function.

Allele frequency attached by ClinVar (database versions not stated): gnomAD exomes below 0.00001; TOPMed below 0.00001.

Submissions (2):

Myriad Genetics, Inc.
Classification: Likely benign for Oligodontia-cancer predisposition syndrome. Last evaluated: 2024-06-28. Review status: criteria provided, single submitter. Criteria: Myriad Autosomal Dominant, Autosomal Recessive and X-Linked Classification Criteria (2023). Collection method: clinical testing. Allele origin: unknown.
Comment: This variant is considered likely benign. This variant is intronic and is not expected to impact mRNA splicing.

Labcorp Genetics (formerly Invitae), Labcorp
Classification: Likely benign for Oligodontia-cancer predisposition syndrome. Last evaluated: 2024-04-22. Review status: criteria provided, single submitter. Criteria: Invitae Variant Classification Sherloc (09022015). Collection method: clinical testing. Allele origin: germline.